The following is an entry in ClinVar:

ClinVar aggregate classification (germline): Likely benign. Review status: criteria provided, multiple submitters, no conflicts (2 of 4 stars). 2 submissions from 2 submitters: Likely benign (2). Last evaluated 2024-07-20.

Conditions:
Hypertrophic cardiomyopathy. Also called: HYPERTROPHIC MYOCARDIOPATHY. Identifiers: Orphanet 217569, MedGen C0007194, MeSH D002312, MONDO:0005045, HP:0001639.

Submissions (2):

All of Us Research Program, National Institutes of Health
Classification: Likely benign for Hypertrophic cardiomyopathy. Last evaluated: 2024-07-20. Review status: criteria provided, single submitter. Criteria: ACMG Guidelines, 2015. Collection method: clinical testing. Allele origin: germline. Inheritance: Autosomal dominant inheritance. Observed: 1 variant allele, 1 heterozygote.
Comment: This study involves interpretation of variants in research participants for the purpose of population health screening. Participant phenotype was not available at the time of variant classification. Additional details can be found in publication PMID: 35346344, PMCID: PMC8962531

Labcorp Genetics (formerly Invitae), Labcorp
Classification: Likely benign for Hypertrophic cardiomyopathy. Last evaluated: 2024-04-08. Review status: criteria provided, single submitter. Criteria: Invitae Variant Classification Sherloc (09022015). Collection method: clinical testing. Allele origin: germline.

NM_000256.3(MYBPC3):c.49C>A (p.Arg17=)

Gene: MYBPC3 (myosin binding protein C3; minus strand). Cytogenetic location: 11p11.2.
Variant type: single nucleotide variant.
Coding change: c.49C>A on transcript NM_000256.3 (MANE Select); coding-DNA position 49, C replaced by A.
Protein change: p.Arg17=; no amino-acid change (arginine 17 retained).
Molecular consequence: synonymous variant.
Genome position (GRCh38, 1-based): chr11:47,351,482, G>T on the plus strand (C>A on the coding strand, the complement: MYBPC3 is on the minus strand). VCF-style: chr11-47351482-G-T. GRCh37 (hg19) VCF-style: chr11-47373033-G-T.
Identifiers: ClinVar variation 1655647 (VCV001655647.9), dbSNP rs747857800, ClinGen allele CA474429914.